The following is an entry in ClinVar:

NM_001080421.3(UNC13A):c.3748A>G (p.Lys1250Glu)

Gene: UNC13A (unc-13 homolog A; minus strand). Cytogenetic location: 19p13.11.
Variant type: single nucleotide variant.
Coding change: c.3748A>G on transcript NM_001080421.3 (MANE Select); coding-DNA position 3748, A replaced by G.
Protein change: p.Lys1250Glu; replaces lysine 1250 with glutamic acid.
Molecular consequence: missense variant.
Genome position (GRCh38, 1-based): chr19:17,629,245, T>C on the plus strand (A>G on the coding strand, the complement: UNC13A is on the minus strand). VCF-style: chr19-17629245-T-C. GRCh37 (hg19) VCF-style: chr19-17740054-T-C.
Other names: c.3742A>G, p.Lys1248Glu (NM_001387021.1, NM_001387022.1, NM_001387023.1); short protein forms K1248E, K1250E.
Identifiers: ClinVar variation 4891063 (VCV004891063.1).

ClinVar aggregate classification (germline): Uncertain significance (1 of 4 stars; one submission).

Submission:

Greenwood Genetic Center Diagnostic Laboratories, Greenwood Genetic Center
Classification: Uncertain significance. Last evaluated: 2026-05-11. Review status: criteria provided, single submitter. Criteria: ACMG Guidelines, 2015. Collection method: clinical testing. Allele origin: germline.
Comment: BP4, PP2